The following is an entry in ClinVar:

NM_000169.3(GLA):c.453C>A (p.Tyr151Ter)

Genes: GLA (galactosidase alpha; minus strand), RPL36A-HNRNPH2 (RPL36A-HNRNPH2 readthrough; plus strand). Cytogenetic location: Xq22.1.
Variant type: single nucleotide variant.
Coding change: c.453C>A on transcript NM_000169.3 (MANE Select); coding-DNA position 453, C replaced by A.
Protein change: p.Tyr151Ter; replaces tyrosine 151 with a stop codon.
Molecular consequence: nonsense. On other transcripts: non-coding transcript variant (3), intron variant (2).
Genome position (GRCh38, 1-based): chrX:101,401,726, G>T on the plus strand (C>A on the coding strand, the complement: GLA is on the minus strand). VCF-style: chrX-101401726-G-T. GRCh37 (hg19) VCF-style: chrX-100656714-G-T.
Other names: c.576C>A, p.Tyr192Ter (NM_001406747.1, NM_001406749.1); c.453C>A, p.Tyr151Ter (NM_001406748.1); c.300+6269G>T (NM_001199973.2); c.177+9904G>T (NM_001199974.2); short protein forms Y151*, Y192*.
Identifiers: ClinVar variation 4087158 (VCV004087158.2), dbSNP rs869312305.

ClinVar aggregate classification (germline): Pathogenic (1 of 4 stars; one submission).

Conditions:
Fabry disease. Also called: ALPHA-GALACTOSIDASE A DEFICIENCY; ANDERSON-FABRY DISEASE; CERAMIDE TRIHEXOSIDASE DEFICIENCY; GLA DEFICIENCY; HEREDITARY DYSTOPIC LIPIDOSIS; Angiokeratoma corporis diffusum. Identifiers: Orphanet 324, MedGen C0002986, MONDO:0010526, OMIM 301500, HP:0001071. Disease mechanism: Fabry disease is due to inactivating mutations in the X-linked GLA gene resulting in deficiency of the enzyme Alpha Galactosidase-A., loss of function.

Submission:

Genomenon, Inc
Classification: Pathogenic for Fabry disease. Last evaluated: 2026-09-08. Review status: criteria provided, single submitter. Criteria: Genomenon Sequence Variant Interpretation Standards - Updated. Collection method: curation. Allele origin: germline. Affected: yes.
Comment: GLA p.Tyr151Ter (c.453C>A) is a nonsense variant that introduces a premature stop codon at amino acid position 151 and is predicted to result in a truncated or absent protein product. This variant has been observed in at least one proband with clinical features consistent with Fabry disease (PMID:30385651). It is absent or not present at a significant frequency in gnomAD. In conclusion, we classify GLA p.Tyr151Ter (c.453C>A) as a pathogenic variant.

Literature cited by the submitters: PubMed 30385651.